The following is an entry in ClinVar:

ClinVar aggregate classification (germline): Uncertain significance (1 of 4 stars; one submission).

gnomAD v4.1: 10 of 1,613,958 alleles (0.00062%); highest among the groups gnomAD compares: African/African-American, 0.012%; no homozygotes.

Submission:

Labcorp Genetics (formerly Invitae), Labcorp
Classification: Uncertain significance. Last evaluated: 2025-12-17. Review status: criteria provided, single submitter. Criteria: Invitae Variant Classification Sherloc (09022015). Collection method: clinical testing. Allele origin: germline.
Comment: This sequence change replaces alanine, which is neutral and non-polar, with valine, which is neutral and non-polar, at codon 1768 of the SON protein (p.Ala1768Val). This variant is present in population databases (rs749477674, gnomAD 0.02%). This variant has not been reported in the literature in individuals affected with SON-related conditions. An algorithm developed to predict the effect of missense changes on protein structure and function (PolyPhen-2) suggests that this variant is likely to be disruptive. In summary, the available evidence is currently insufficient to determine the role of this variant in disease. Therefore, it has been classified as a Variant of Uncertain Significance.

NM_138927.4(SON):c.5303C>T (p.Ala1768Val)

Gene: SON (SON DNA and RNA binding protein; plus strand). Cytogenetic location: 21q22.11.
Variant type: single nucleotide variant.
Coding change: c.5303C>T on transcript NM_138927.4 (MANE Select); coding-DNA position 5303, C replaced by T.
Protein change: p.Ala1768Val; replaces alanine 1768 with valine.
Molecular consequence: missense variant. On other transcripts: non-coding transcript variant (1), intron variant (1).
Genome position (GRCh38, 1-based): chr21:33,554,534, C>T. VCF-style: chr21-33554534-C-T. GRCh37 (hg19) VCF-style: chr21-34926840-C-T.
Other names: c.5303C>T, p.Ala1768Val (NM_001291411.2, NM_032195.3); c.245-2622C>T (NM_001291412.3); short protein forms A1768V.
Identifiers: ClinVar variation 4695457 (VCV004695457.1).